The following is an entry in ClinVar:

ClinVar aggregate classification (germline): Uncertain significance (1 of 4 stars; one submission).

Conditions:
Hereditary cancer-predisposing syndrome. Also called: Hereditary Cancer Syndrome; Hereditary neoplastic syndrome; Neoplastic Syndromes, Hereditary; Tumor predisposition. Identifiers: Orphanet 140162, MedGen C0027672, MeSH D009386, MONDO:0015356.

Submission:

Ambry Genetics
Classification: Uncertain significance for Hereditary cancer-predisposing syndrome. Last evaluated: 2021-11-16. Review status: criteria provided, single submitter. Criteria: Ambry Variant Classification Scheme 2023. Collection method: clinical testing. Allele origin: germline.
Comment: The p.Q2068H variant (also known as c.6204G>C), located in coding exon 45 of the POLE gene, results from a G to C substitution at nucleotide position 6204. The glutamine at codon 2068 is replaced by histidine, an amino acid with highly similar properties. This amino acid position is conserved. In addition, the in silico prediction for this alteration is inconclusive. Since supporting evidence is limited at this time, the clinical significance of this alteration remains unclear.

NM_006231.4(POLE):c.6204G>C (p.Gln2068His)

Gene: POLE (DNA polymerase epsilon, catalytic subunit; minus strand). Cytogenetic location: 12q24.33.
Variant type: single nucleotide variant.
Coding change: c.6204G>C on transcript NM_006231.4 (MANE Select); coding-DNA position 6204, G replaced by C.
Protein change: p.Gln2068His; replaces glutamine 2068 with histidine.
Molecular consequence: missense variant.
Genome position (GRCh38, 1-based): chr12:132,632,441, C>G on the plus strand (G>C on the coding strand, the complement: POLE is on the minus strand). VCF-style: chr12-132632441-C-G. GRCh37 (hg19) VCF-style: chr12-133209027-C-G.
Other names: short protein forms Q2068H.
Identifiers: ClinVar variation 1752189 (VCV001752189.2), dbSNP rs980291421, ClinGen allele CA387369737.